The following is an entry in ClinVar:

ClinVar aggregate classification (germline): Uncertain significance. Review status: criteria provided, multiple submitters, no conflicts (2 of 4 stars). 2 submissions from 2 submitters: Uncertain significance (2). Last evaluated 2025-12-01.

Conditions:
Hypothyroidism, congenital, nongoitrous, 9. Identifiers: MedGen C5231396, MONDO:0026732, OMIM 301035.

Submissions (2):

Department of Molecular Genetics, Istishari Arab Hospital
Classification: Uncertain significance for Hypothyroidism, congenital, nongoitrous, 9. Last evaluated: 2025-12-01. Review status: criteria provided, single submitter. Criteria: ACMG Guidelines, 2015. Collection method: clinical testing. Allele origin: germline. Inheritance: X-linked inheritance. Affected: yes.
Comment: The IRS4 variant c.1766G>A, p.Gly589Glu creates an amino acid change from Gly to Glu at position 589. This variant is observed with very low frequency in the gnomAD v4.1.0 dataset (<0.001) and has not been previously described in the literature. It is classified as a variant of uncertain significance (class 3) according to the recommendations of ACMG/AMP/ClinGen SVI guidelines.

Ambry Genetics
Classification: Uncertain significance. Last evaluated: 2024-01-24. Review status: criteria provided, single submitter. Criteria: Ambry Variant Classification Scheme 2023. Collection method: clinical testing. Allele origin: germline.

NM_001379150.1(IRS4):c.1766G>A (p.Gly589Glu)

Gene: IRS4 (insulin receptor substrate 4; minus strand). Cytogenetic location: Xq22.3.
Variant type: single nucleotide variant.
Coding change: c.1766G>A on transcript NM_001379150.1 (MANE Select); coding-DNA position 1766, G replaced by A.
Protein change: p.Gly589Glu; replaces glycine 589 with glutamic acid.
Molecular consequence: missense variant.
Genome position (GRCh38, 1-based): chrX:108,734,579, C>T on the plus strand (G>A on the coding strand, the complement: IRS4 is on the minus strand). VCF-style: chrX-108734579-C-T. GRCh37 (hg19) VCF-style: chrX-107977809-C-T.
Other names: p.Gly589Glu; c.1766G>A, p.Gly589Glu (NM_003604.2); short protein forms G589E.
Identifiers: ClinVar variation 3110933 (VCV003110933.1), dbSNP rs149144348, ClinGen allele CA414204398.